The following is an entry in ClinVar:

NM_001077350.3:c.(629+1_630-1)_(767+10_768-1)del

Gene: NPRL3 (NPR3 like, GATOR1 complex subunit; minus strand).
Variant type: Deletion.
Other names: c.(629+1_630-1)_(767+10_768-1)del (NM_001077350.3).
Identifiers: ClinVar variation 4845383 (VCV004845383.1).

ClinVar aggregate classification (germline): Likely pathogenic (1 of 4 stars; one submission).

Conditions:
Epilepsy, familial focal, with variable foci 1 (FFEVF1). Also called: DEPDC5-Related Epilepsy. Identifiers: MedGen C4551983, MONDO:0024556, OMIM 604364.

Submission:

Institute of Human Genetics, University of Leipzig Medical Center
Classification: Likely pathogenic for Epilepsy, familial focal, with variable foci 1. Last evaluated: 2026-03-31. Review status: criteria provided, single submitter. Criteria: ACMG Guidelines, 2015. Collection method: clinical testing. Allele origin: unknown. Inheritance: Autosomal dominant inheritance. Affected: yes.
Comment: Criteria applied: PVS1_MOD,PS4_MOD,PM2; Exon 8 Deletion